The following is an entry in ClinVar:

NM_002336.3(LRP6):c.4603G>C (p.Asp1535His)

Gene: LRP6 (LDL receptor related protein 6; minus strand). Cytogenetic location: 12p13.2.
Variant type: single nucleotide variant.
Coding change: c.4603G>C on transcript NM_002336.3 (MANE Select); coding-DNA position 4603, G replaced by C.
Protein change: p.Asp1535His; replaces aspartic acid 1535 with histidine.
Molecular consequence: missense variant. On other transcripts: 3 prime UTR variant (1), non-coding transcript variant (1).
Genome position (GRCh38, 1-based): chr12:12,121,365, C>G on the plus strand (G>C on the coding strand, the complement: LRP6 is on the minus strand). VCF-style: chr12-12121365-C-G. GRCh37 (hg19) VCF-style: chr12-12274299-C-G.
Other names: c.4696G>C, p.Asp1566His (NM_001414244.1); c.4603G>C, p.Asp1535His (NM_001414245.1); c.4468G>C, p.Asp1490His (NM_001414246.1); c.4405G>C, p.Asp1469His (NM_001414247.1); c.*79G>C (NM_001414248.1); c.4240G>C, p.Asp1414His (NM_001414251.1); c.4150G>C, p.Asp1384His (NM_001414252.1, NM_001414253.1, NM_001414254.1); c.4096G>C, p.Asp1366His (NM_001414255.1); short protein forms D1366H, D1384H, D1414H, D1469H, D1490H, D1535H, D1566H.
Identifiers: ClinVar variation 3622622 (VCV003622622.2).
Genomic context (GRCh38, chr12:12,121,365, plus strand): 5'-CCTTGGCTGTTGCCACTGAGGTCATTCTCCGACTAGGAGCATAGTCACTGTCACAAACAT[C>G]TGTGCTGCAGGGTGTGGTGGGGGGTGCAAAGTGCCGGTAGCTATATGGCCTGTAGCTGGT-3'
Protein context (NP_002327.2, residues 1525-1545): FAPPTTPCST[Asp1535His]VCDSDYAPSR

ClinVar aggregate classification (germline): Uncertain significance (1 of 4 stars; one submission).

gnomAD v4.1: 19 of 1,613,984 alleles (0.0012%); highest among the groups gnomAD compares: Non-Finnish European, 0.0016%; no homozygotes.

Submission:

Labcorp Genetics (formerly Invitae), Labcorp
Classification: Uncertain significance. Last evaluated: 2024-10-05. Review status: criteria provided, single submitter. Criteria: Invitae Variant Classification Sherloc (09022015). Collection method: clinical testing. Allele origin: germline.
Comment: This sequence change replaces aspartic acid, which is acidic and polar, with histidine, which is basic and polar, at codon 1535 of the LRP6 protein (p.Asp1535His). This variant is present in population databases (rs199645128, gnomAD 0.006%). This variant has not been reported in the literature in individuals affected with LRP6-related conditions. An algorithm developed to predict the effect of missense changes on protein structure and function (PolyPhen-2) suggests that this variant is likely to be disruptive. In summary, the available evidence is currently insufficient to determine the role of this variant in disease. Therefore, it has been classified as a Variant of Uncertain Significance.